The following is an entry in ClinVar:

ClinVar aggregate classification (germline): Pathogenic. Review status: reviewed by expert panel (3 of 4 stars). 4 submissions from 4 submitters: Pathogenic (1). 3 of the submissions do not count toward it. Last evaluated 2017-12-15.

Conditions:
Breast-ovarian cancer, familial, susceptibility to, 2 (BROVCA2). Also called: BRCA2 Hereditary Breast and Ovarian Cancer. Identifiers: Orphanet 145, MedGen C2675520, MONDO:0012933, OMIM 612555. Disease mechanism: loss of function.
Hereditary breast ovarian cancer syndrome. Also called: BRCA1- and BRCA2-Associated Hereditary Breast and Ovarian Cancer; Hereditary breast and/or ovarian cancer syndrome; Hereditary breast and ovarian cancer; Hereditary breast and ovarian cancer syndrome; Hereditary breast and ovarian cancer syndrome (HBOC); Breast and ovarian cancer. Identifiers: Orphanet 145, MedGen C0677776, MeSH D061325, MONDO:0003582. Disease mechanism: loss of function.

Submissions (4):

Evidence-based Network for the Interpretation of Germline Mutant Alleles (ENIGMA)
Classification: Pathogenic for Breast-ovarian cancer, familial, susceptibility to, 2. Last evaluated: 2017-12-15. Review status: reviewed by expert panel. Criteria: ENIGMA BRCA1/2 Classification Criteria (2017-06-29). Collection method: curation. Allele origin: germline. Study: ENIGMA.
Comment: Variant allele predicted to encode a truncated non-functional protein.

Labcorp Genetics (formerly Invitae), Labcorp
Classification: Pathogenic for Hereditary breast ovarian cancer syndrome. Last evaluated: 2021-04-16. Review status: criteria provided, single submitter. Criteria: Invitae Variant Classification Sherloc (09022015). Collection method: clinical testing. Allele origin: germline. Not counted in ClinVar's aggregate classification.
Comment: This sequence change creates a premature translational stop signal (p.Tyr600*) in the BRCA2 gene. It is expected to result in an absent or disrupted protein product. Loss-of-function variants in BRCA2 are known to be pathogenic (PMID: 20104584). For these reasons, this variant has been classified as Pathogenic. This nonsense change has been observed in individual(s) with clinical features of hereditary breast and ovarian cancer (HBOC) syndrome (PMID: 26250392, 29446198, 31411802, 23320992). ClinVar contains an entry for this variant (Variation ID: 431295). This variant is not present in population databases (ExAC no frequency).

Department of Pathology and Molecular Medicine, Queen's University
Classification: Pathogenic for Hereditary breast ovarian cancer syndrome. Last evaluated: 2017-04-20. Review status: criteria provided, single submitter. Criteria: ACMG Guidelines, 2015. Collection method: clinical testing. Allele origin: germline. Study: The Canadian Open Genetics Repository (COGR). Not counted in ClinVar's aggregate classification.

Research Molecular Genetics Laboratory, Women's College Hospital, University of Toronto
Classification: Pathogenic for Hereditary breast ovarian cancer syndrome. Last evaluated: 2014-01-31. Review status: no assertion criteria provided. Collection method: research. Allele origin: germline. Affected: yes. Study: The Canadian Open Genetics Repository (COGR). Not counted in ClinVar's aggregate classification.

Literature cited by the submitters: PubMed 20104584 (cited by Labcorp Genetics (formerly Invitae), Labcorp); PubMed 26250392 (cited by Labcorp Genetics (formerly Invitae), Labcorp); PubMed 29446198 (cited by Labcorp Genetics (formerly Invitae), Labcorp); PubMed 31411802 (cited by Labcorp Genetics (formerly Invitae), Labcorp); PubMed 23320992 (cited by Labcorp Genetics (formerly Invitae), Labcorp).

NM_000059.4(BRCA2):c.1800_1801del (p.Tyr600_Lys601delinsTer)

Gene: BRCA2 (BRCA2 DNA repair associated; plus strand). Cytogenetic location: 13q13.1.
Variant type: Microsatellite.
Coding change: c.1800_1801del on transcript NM_000059.4 (MANE Select); coding-DNA positions 1800 to 1801, 2 bases deleted (TA; older notation c.1800_1801delTA).
Protein change: p.Tyr600_Lys601delinsTer.
Molecular consequence: nonsense.
Genome position (GRCh38, 1-based): chr13:32,333,278-32,333,279, TA deleted; deleting any 2 consecutive bases within chr13:32,333,276-32,333,279 gives the same sequence; the c. name uses the placement nearest the transcript's 3' end. VCF-style (leftmost placement, unchanged base first): chr13-32333275-TTA-T. GRCh37 (hg19) VCF-style: chr13-32907412-TTA-T.
Other names: c.1800_1801delTA (NM_000059.3).
Identifiers: ClinVar variation 431295 (VCV000431295.9), dbSNP rs1135401894, ClinGen allele CA645372948.